The following is an entry in ClinVar:

ClinVar aggregate classification (germline): Benign. Review status: criteria provided, multiple submitters, no conflicts (2 of 4 stars). 8 submissions from 8 submitters: Benign (8). Last evaluated 2026-02-03.

Conditions:
Early-infantile DEE. Also called: Early infantile epileptic encephalopathy; Ohtahara syndrome; Early infantile epileptic encephalopathy with suppression bursts. Identifiers: Orphanet 1934, MedGen C0393706, MONDO:0800491.
Inborn genetic diseases. Identifiers: MedGen C0950123, MeSH D030342.
Developmental and epileptic encephalopathy, 5 (DEE5). Identifiers: Orphanet 3451, MedGen C3150731, MONDO:0013277, OMIM 613477.

Allele frequency attached by ClinVar (database versions not stated): 1000 Genomes Project 0.02855; 1000 Genomes Project 30x 0.02998; gnomAD 0.03062; TOPMed 0.03278; ESP Exome Variant Server 0.03483.
gnomAD v4.1: 9,055 of 1,614,036 alleles (0.56%); highest among the groups gnomAD compares: African/African-American, 10%; 392 homozygotes.

Submissions (8):

Labcorp Genetics (formerly Invitae), Labcorp
Classification: Benign for Early-infantile DEE. Last evaluated: 2026-02-03. Review status: criteria provided, single submitter. Criteria: Invitae Variant Classification Sherloc (09022015). Collection method: clinical testing. Allele origin: germline.

Athena Diagnostics
Classification: Benign. Last evaluated: 2023-11-02. Review status: criteria provided, single submitter. Criteria: Athena Diagnostics Criteria. Collection method: clinical testing. Allele origin: unknown.

Mayo Clinic Laboratories, Mayo Clinic
Classification: Benign. Last evaluated: 2023-05-28. Review status: criteria provided, single submitter. Criteria: ACMG Guidelines, 2015. Collection method: clinical testing. Allele origin: germline. Observed: 24 variant alleles.

Genome-Nilou Lab
Classification: Benign for Developmental and epileptic encephalopathy, 5. Last evaluated: 2021-07-15. Review status: criteria provided, single submitter. Criteria: ACMG Guidelines, 2015. Collection method: clinical testing. Allele origin: germline. Affected: no.

Ambry Genetics
Classification: Benign for Inborn genetic diseases. Last evaluated: 2016-03-18. Review status: criteria provided, single submitter. Criteria: Ambry Variant Classification Scheme 2023. Collection method: clinical testing. Allele origin: germline.

Genetic Services Laboratory, University of Chicago
Classification: Benign. Last evaluated: 2013-02-08. Review status: criteria provided, single submitter. Criteria: ACMG Guidelines, 2007. Collection method: clinical testing. Allele origin: germline. Inheritance: Autosomal dominant inheritance.

GeneDx
Classification: Benign. Last evaluated: 2012-05-14. Review status: criteria provided, single submitter. Criteria: GeneDx Variant Classification (06012015). Collection method: clinical testing. Allele origin: germline. Affected: yes.
Comment: This variant is considered likely benign or benign based on one or more of the following criteria: it is a conservative change, it occurs at a poorly conserved position in the protein, it is predicted to be benign by multiple in silico algorithms, and/or has population frequency not consistent with disease.

Breakthrough Genomics
Classification: Benign. Review status: criteria provided, single submitter. Criteria: ACMG Guidelines, 2015. Collection method: not provided. Allele origin: germline. Inheritance: Autosomal dominant inheritance. Affected: yes.

NM_001130438.3(SPTAN1):c.2343C>A (p.Ala781=)

Gene: SPTAN1 (spectrin alpha, non-erythrocytic 1; plus strand). Cytogenetic location: 9q34.11.
Variant type: single nucleotide variant.
Coding change: c.2343C>A on transcript NM_001130438.3 (MANE Select); coding-DNA position 2343, C replaced by A.
Protein change: p.Ala781=; no amino-acid change (alanine 781 retained).
Molecular consequence: synonymous variant.
Genome position (GRCh38, 1-based): chr9:128,584,431, C>A. VCF-style: chr9-128584431-C-A. GRCh37 (hg19) VCF-style: chr9-131346710-C-A.
Other names: p.A781A:GCC>GCA; p.Ala781=; c.2343C>A, p.Ala781= (NM_001195532.2, NM_001363759.2, NM_001363765.2 and 1 more transcripts).
Identifiers: ClinVar variation 139277 (VCV000139277.25), dbSNP rs34084388, ClinGen allele CA295177.
Genomic context (GRCh38, chr9:128,584,431, plus strand): 5'-CCTCGTGGCTCGCTATGAGGCACTCAAGGAGCCCATGGTTGCCCGGAAGCAGAAGCTGGC[C>A]GATTCTCTGCGGTTGCAGCAGCTCTTCCGGGATGTTGAGGATGAGGAGACGTGGATTCGA-3'
Protein context (NP_001123910.1, residues 771-791): EPMVARKQKL[Ala781=]DSLRLQQLFR